The following is an entry in ClinVar:

ClinVar aggregate classification (germline): Uncertain significance. Review status: criteria provided, multiple submitters, no conflicts (2 of 4 stars). 2 submissions from 2 submitters: Uncertain significance (2). Last evaluated 2025-07-06.

Conditions:
Epidermolysis bullosa simplex 3, localized or generalized intermediate, with BP230 deficiency (EBS3). Also called: Epidermolysis bullosa simplex, autosomal recessive 2; Epidermolysis bullosa simplex due to BP230 deficiency. Identifiers: Orphanet 412181, MedGen C3809470, MONDO:0014180, OMIM 615425.
Hereditary sensory and autonomic neuropathy type 6. Also called: HSAN VI; Neuropathy, hereditary sensory and autonomic, type VI. Identifiers: Orphanet 314381, MedGen C3539003, MONDO:0013839, OMIM 614653.

Allele frequency attached by ClinVar (database versions not stated): ExAC 0.00003; gnomAD exomes 0.00003.
gnomAD v4.1: 37 of 1,614,028 alleles (0.0023%); highest among the groups gnomAD compares: Middle Eastern, 0.099%; no homozygotes.

Submissions (2):

Labcorp Genetics (formerly Invitae), Labcorp
Classification: Uncertain significance for Epidermolysis bullosa simplex 3, localized or generalized intermediate, with BP230 deficiency; Hereditary sensory and autonomic neuropathy type 6. Last evaluated: 2025-07-06. Review status: criteria provided, single submitter. Criteria: Invitae Variant Classification Sherloc (09022015). Collection method: clinical testing. Allele origin: germline.
Comment: The DST gene has multiple clinically relevant transcripts. This variant occurs in alternate transcript NM_015548.4, and corresponds to NM_001723.5:c.*62623G>A in the primary transcript. This sequence change replaces aspartic acid, which is acidic and polar, with asparagine, which is neutral and polar, at codon 2677 of the DST protein (p.Asp2677Asn). This variant is present in population databases (rs200661658, gnomAD 0.02%). This variant has not been reported in the literature in individuals affected with DST-related conditions. Experimental studies and prediction algorithms are not available or were not evaluated, and the functional significance of this variant is currently unknown. In summary, the available evidence is currently insufficient to determine the role of this variant in disease. Therefore, it has been classified as a Variant of Uncertain Significance.

Neuberg Centre For Genomic Medicine, NCGM
Classification: Uncertain significance for Hereditary sensory and autonomic neuropathy type 6. Last evaluated: 2023-06-22. Review status: criteria provided, single submitter. Criteria: ACMG Guidelines, 2015. Collection method: clinical testing. Allele origin: germline. Inheritance: Autosomal recessive inheritance. Affected: yes.
Comment: The observed missense variant c.15898G>Ap.Asp5300Asn in DST gene has not been reported previously as a pathogenic variant nor as a benign variant, to our knowledge. The c.15898G>Ap.Asp5300Asn variant is reported with 0.003% allele frequency in gnomAD Exomes. This variant has been reported to the ClinVar database as Uncertain Significance. However, no details are available for independent assessment.The amino acid Asp at position 5300 is changed to a Asn changing protein sequence and it might alter its composition and physico-chemical properties. This variant is predicted as Benign by Polyphen. The reference amino acid p.Asp5300Asn in DST is predicted as conserved by GERP++ and PhyloP across 100 vertebrates. For these reasons, this variant has been classified as Uncertain Significance.

NM_001374736.1(DST):c.15898G>A (p.Asp5300Asn)

Gene: DST (dystonin; minus strand). Cytogenetic location: 6p12.1.
Variant type: single nucleotide variant.
Coding change: c.15898G>A on transcript NM_001374736.1 (MANE Select); coding-DNA position 15898, G replaced by A.
Protein change: p.Asp5300Asn; replaces aspartic acid 5300 with asparagine.
Molecular consequence: missense variant.
Genome position (GRCh38, 1-based): chr6:56,552,894, C>T on the plus strand (G>A on the coding strand, the complement: DST is on the minus strand). VCF-style: chr6-56552894-C-T. GRCh37 (hg19) VCF-style: chr6-56417692-C-T.
Other names: c.9541G>A, p.Asp3181Asn (NM_001144769.5); c.9127G>A, p.Asp3043Asn (NM_001144770.2); c.15898G>A, p.Asp5300Asn (NM_001374722.1); c.15265G>A, p.Asp5089Asn (NM_001374729.1); c.9007G>A, p.Asp3003Asn (NM_001374730.1, NM_001386100.1, NM_183380.4); c.15925G>A, p.Asp5309Asn (NM_001374734.1); c.8029G>A, p.Asp2677Asn (NM_015548.5); short protein forms D2677N, D3003N, D3043N, D3181N, D5089N, D5300N, D5309N.
Identifiers: ClinVar variation 1001899 (VCV001001899.8), dbSNP rs200661658, ClinGen allele CA3867761.
Genomic context (GRCh38, chr6:56,552,894, plus strand): 5'-TCTGCTGAGTTTGCAACATGGTCAGGTATTTGTTACTGTAAGCCTGGGATCCCAGCGAAT[C>T]ATGGATATCTAGCTGCTCCTTTGCACACTGAAGCTGCCTTTTAGATTCTTTGGAAACTTC-3'
Protein context (NP_001361665.1, residues 5290-5310): QCAKEQLDIH[Asp5300Asn]SLGSQAYSNK